The following is an entry in ClinVar:

NM_000535.7(PMS2):c.211A>G (p.Asn71Asp)

Gene: PMS2 (PMS1 homolog 2, mismatch repair system component; minus strand). Cytogenetic location: 7p22.1.
Variant type: single nucleotide variant.
Coding change: c.211A>G on transcript NM_000535.7 (MANE Select); coding-DNA position 211, A replaced by G.
Protein change: p.Asn71Asp; replaces asparagine 71 with aspartic acid.
Molecular consequence: missense variant. On other transcripts: 5 prime UTR variant (44), non-coding transcript variant (1), intron variant (1).
Genome position (GRCh38, 1-based): chr7:6,004,011, T>C on the plus strand (A>G on the coding strand, the complement: PMS2 is on the minus strand). VCF-style: chr7-6004011-T-C. GRCh37 (hg19) VCF-style: chr7-6043642-T-C.
Other names: c.-195A>G (NM_001018040.1, NM_001322003.2, NM_001322004.2 and 14 more transcripts); c.211A>G, p.Asn71Asp (NM_001322006.2, NM_001322014.2, NM_001406868.1 and 10 more transcripts); c.-5A>G (NM_001322007.2, NM_001322008.2, NM_001406876.1 and 4 more transcripts); c.-674A>G (NM_001322011.2, NM_001322012.2); c.-274A>G (NM_001322015.2, NM_001406875.1, NM_001406877.1 and 3 more transcripts); c.397A>G, p.Asn133Asp (NM_001406866.1); c.-221A>G (NM_001406880.1); c.-171A>G (NM_001406881.1, NM_001406900.1); and 3 more; short protein forms N71D, N133D.
Identifiers: ClinVar variation 2884242 (VCV002884242.4), dbSNP rs1562695328, ClinGen allele CA366744841.

ClinVar aggregate classification (germline): Uncertain significance. Review status: criteria provided, multiple submitters, no conflicts (2 of 4 stars). 2 submissions from 2 submitters: Uncertain significance (2). Last evaluated 2024-01-31.

Conditions:
Hereditary nonpolyposis colorectal neoplasms. Identifiers: MedGen C0009405, MeSH D003123.
Hereditary cancer-predisposing syndrome. Also called: Hereditary Cancer Syndrome; Hereditary neoplastic syndrome; Tumor predisposition; Neoplastic Syndromes, Hereditary. Identifiers: Orphanet 140162, MedGen C0027672, MeSH D009386, MONDO:0015356.

gnomAD v4.1: 1 of 1,605,680 alleles (0.000062%); no homozygotes.

Submissions (2):

Ambry Genetics
Classification: Uncertain significance for Hereditary cancer-predisposing syndrome. Last evaluated: 2024-01-31. Review status: criteria provided, single submitter. Criteria: Ambry Variant Classification Scheme 2023. Collection method: clinical testing. Allele origin: germline.
Comment: The p.N71D variant (also known as c.211A>G), located in coding exon 3 of the PMS2 gene, results from an A to G substitution at nucleotide position 211. The asparagine at codon 71 is replaced by aspartic acid, an amino acid with highly similar properties. This amino acid position is conserved. In addition, the in silico prediction for this alteration is inconclusive. Based on the available evidence, the clinical significance of this alteration remains unclear.

Labcorp Genetics (formerly Invitae), Labcorp
Classification: Uncertain significance for Hereditary nonpolyposis colorectal neoplasms. Last evaluated: 2023-11-10. Review status: criteria provided, single submitter. Criteria: Invitae Variant Classification Sherloc (09022015). Collection method: clinical testing. Allele origin: germline.
Comment: This sequence change replaces asparagine, which is neutral and polar, with aspartic acid, which is acidic and polar, at codon 71 of the PMS2 protein (p.Asn71Asp). This variant is not present in population databases (gnomAD no frequency). This variant has not been reported in the literature in individuals affected with PMS2-related conditions. Advanced modeling of protein sequence and biophysical properties (such as structural, functional, and spatial information, amino acid conservation, physicochemical variation, residue mobility, and thermodynamic stability) performed at Invitae indicates that this missense variant is not expected to disrupt PMS2 protein function with a negative predictive value of 80%. In summary, the available evidence is currently insufficient to determine the role of this variant in disease. Therefore, it has been classified as a Variant of Uncertain Significance.